The following is an entry in ClinVar:

NM_001854.4(COL11A1):c.1682A>C (p.Gln561Pro)

Gene: COL11A1 (collagen type XI alpha 1 chain; minus strand). Cytogenetic location: 1p21.1.
Variant type: single nucleotide variant.
Coding change: c.1682A>C on transcript NM_001854.4 (MANE Select); coding-DNA position 1682, A replaced by C.
Protein change: p.Gln561Pro; replaces glutamine 561 with proline.
Molecular consequence: missense variant. On other transcripts: non-coding transcript variant (1).
Genome position (GRCh38, 1-based): chr1:103,008,464, T>G on the plus strand (A>C on the coding strand, the complement: COL11A1 is on the minus strand). VCF-style: chr1-103008464-T-G. GRCh37 (hg19) VCF-style: chr1-103474020-T-G.
Other names: c.1334A>C, p.Gln445Pro (NM_001168249.1, NM_080630.4); c.1565A>C, p.Gln522Pro (NM_001190709.2); c.1718A>C, p.Gln573Pro (NM_080629.3); short protein forms Q522P, Q573P, Q445P, Q561P.
Identifiers: ClinVar variation 2813956 (VCV002813956.3), dbSNP rs2525433079, ClinGen allele CA341175416.
Genomic context (GRCh38, chr1:103,008,464, plus strand): 5'-GAATTATGCTGTATCAAAGAAGCCAGTCAAGAATAAAAAGTCAAATTTTTATTTTTTACC[T>G]GAGGACCTGGATCACCACTCTCACCTTTGGCCCCAGATGAACCAGGCCCCCCCTATAGAG-3'
Protein context (NP_001845.3, residues 551-571): AKGESGDPGP[Gln561Pro]GPRGVQGPPG

ClinVar aggregate classification (germline): Likely pathogenic (1 of 4 stars; one submission).

Submission:

Labcorp Genetics (formerly Invitae), Labcorp
Classification: Likely pathogenic. Last evaluated: 2023-08-23. Review status: criteria provided, single submitter. Criteria: Invitae Variant Classification Sherloc (09022015). Collection method: clinical testing. Allele origin: germline.
Comment: This sequence change replaces glutamine, which is neutral and polar, with proline, which is neutral and non-polar, at codon 561 of the COL11A1 protein (p.Gln561Pro). In summary, the currently available evidence indicates that the variant is pathogenic, but additional data are needed to prove that conclusively. Therefore, this variant has been classified as Likely Pathogenic. Algorithms developed to predict the effect of sequence changes on RNA splicing suggest that this variant may disrupt the consensus splice site. Experimental studies and prediction algorithms are not available or were not evaluated, and the functional significance of this variant is currently unknown. This missense change has been observed in individual(s) with autosomal dominant Stickler syndrome (Invitae). It has also been observed to segregate with disease in related individuals. This variant is not present in population databases (gnomAD no frequency).